The following is an entry in ClinVar:

ClinVar aggregate classification (germline): Pathogenic. Review status: criteria provided, single submitter (1 of 4 stars). 2 submissions from 2 submitters: Pathogenic (1). 1 of the submissions does not count toward it. Last evaluated 2023-10-10.

Conditions:
ABCC2-related disorder. Also called: ABCC2-related condition.

Submissions (2):

Labcorp Genetics (formerly Invitae), Labcorp
Classification: Pathogenic. Last evaluated: 2023-10-10. Review status: criteria provided, single submitter. Criteria: Invitae Variant Classification Sherloc (09022015). Collection method: clinical testing. Allele origin: germline.
Comment: This sequence change creates a premature translational stop signal (p.Tyr1229*) in the ABCC2 gene. It is expected to result in an absent or disrupted protein product. Loss-of-function variants in ABCC2 are known to be pathogenic (PMID: 9185779, 16549534, 16952291). This variant is not present in population databases (gnomAD no frequency). This variant has not been reported in the literature in individuals affected with ABCC2-related conditions. For these reasons, this variant has been classified as Pathogenic.

PreventionGenetics, part of Exact Sciences
Classification: Likely pathogenic for ABCC2-related condition. Last evaluated: 2024-01-24. Review status: no assertion criteria provided. Collection method: clinical testing. Allele origin: germline. Not counted in ClinVar's aggregate classification.
Comment: The ABCC2 c.3687_3690delTAGA variant is predicted to result in premature protein termination (p.Tyr1229*). To our knowledge, this variant has not been reported in the literature or in a large population database, indicating this variant is rare. Nonsense variants in ABCC2 are expected to be pathogenic. This variant is interpreted as likely pathogenic.

Literature cited by the submitters: PubMed 9185779 (cited by Labcorp Genetics (formerly Invitae), Labcorp); PubMed 16549534 (cited by Labcorp Genetics (formerly Invitae), Labcorp); PubMed 16952291 (cited by Labcorp Genetics (formerly Invitae), Labcorp).

NM_000392.5(ABCC2):c.3687_3690del (p.Ile1228_Tyr1229insTer)

Gene: ABCC2 (ATP binding cassette subfamily C member 2; plus strand). Cytogenetic location: 10q24.2.
Variant type: Deletion.
Coding change: c.3687_3690del on transcript NM_000392.5 (MANE Select); coding-DNA positions 3687 to 3690, 4 bases deleted (TAGA; older notation c.3687_3690delTAGA).
Protein change: p.Ile1228_Tyr1229insTer.
Molecular consequence: nonsense.
Genome position (GRCh38, 1-based): chr10:99,842,039-99,842,042, TAGA deleted; deleting any 4 consecutive bases within chr10:99,842,038-99,842,042 gives the same sequence; the c. name uses the placement nearest the transcript's 3' end. VCF-style (leftmost placement, unchanged base first): chr10-99842037-TATAG-T. GRCh37 (hg19) VCF-style: chr10-101601794-TATAG-T.
Other names: c.3687_3690delTAGA (NM_000392.4).
Identifiers: ClinVar variation 2967665 (VCV002967665.5), dbSNP rs2493041971, ClinGen allele CA2574661759.